The following is an entry in ClinVar:

NM_024529.5(CDC73):c.1333G>A (p.Val445Ile)

Gene: CDC73 (cell division cycle 73; plus strand). Cytogenetic location: 1q31.2.
Variant type: single nucleotide variant.
Coding change: c.1333G>A on transcript NM_024529.5 (MANE Select); coding-DNA position 1333, G replaced by A.
Protein change: p.Val445Ile; replaces valine 445 with isoleucine.
Molecular consequence: missense variant.
Genome position (GRCh38, 1-based): chr1:193,236,272, G>A. VCF-style: chr1-193236272-G-A. GRCh37 (hg19) VCF-style: chr1-193205402-G-A.
Other names: short protein forms V445I.
Identifiers: ClinVar variation 241494 (VCV000241494.32), dbSNP rs368442389, ClinGen allele CA1303837.

ClinVar aggregate classification (germline): Conflicting classifications of pathogenicity. Review status: criteria provided, conflicting classifications (1 of 4 stars). 11 submissions from 9 submitters: Uncertain significance (8); Likely benign (1). 2 of the submissions do not count toward it. Last evaluated 2026-01-19.

Conditions:
Hereditary cancer-predisposing syndrome. Also called: Neoplastic Syndromes, Hereditary; Tumor predisposition; Hereditary neoplastic syndrome; Hereditary Cancer Syndrome. Identifiers: Orphanet 140162, MedGen C0027672, MeSH D009386, MONDO:0015356.
Parathyroid carcinoma (PRTC). Also called: Parathyroid gland carcinoma; CDC73-Related Parathyroid Carcinoma. Identifiers: Orphanet 143, MedGen C0687150, MONDO:0012004, OMIM 608266, HP:0006780.
Hyperparathyroidism 2 with jaw tumors. Also called: Hyperparathyroidism 2; Hyperparathyroidism-Jaw Tumor Syndrome; HYPERPARATHYROIDISM, FAMILIAL PRIMARY, WITH MULTIPLE OSSIFYING JAW FIBROMAS; HYPERPARATHYROIDISM-JAW TUMOR SYNDROME, HEREDITARY. Identifiers: Orphanet 99880, MedGen C1704981, MONDO:0007768, OMIM 145001.
Hyperparathyroidism 1 (HRPT1). Also called: HYPERPARATHYROIDISM, FAMILIAL ISOLATED PRIMARY. Identifiers: Orphanet 99879, MedGen C1840402, MONDO:0007767, OMIM 145000.

Allele frequency attached by ClinVar (database versions not stated): ExAC 0.00004; gnomAD exomes 0.00004 and 0.00008; TOPMed 0.00005; gnomAD 0.00007; ESP Exome Variant Server 0.00023.
gnomAD v4.1: 132 of 1,613,520 alleles (0.0082%); highest among the groups gnomAD compares: Non-Finnish European, 0.011%; no homozygotes.

Submissions (11):

Labcorp Genetics (formerly Invitae), Labcorp
Classification: Uncertain significance for Parathyroid carcinoma. Last evaluated: 2026-01-19. Review status: criteria provided, single submitter. Criteria: Invitae Variant Classification Sherloc (09022015). Collection method: clinical testing. Allele origin: germline.
Comment: This sequence change replaces valine, which is neutral and non-polar, with isoleucine, which is neutral and non-polar, at codon 445 of the CDC73 protein (p.Val445Ile). This variant is present in population databases (rs368442389, gnomAD 0.008%). This variant has not been reported in the literature in individuals affected with CDC73-related conditions. ClinVar contains an entry for this variant (Variation ID: 241494). Invitae Evidence Modeling of protein sequence and biophysical properties (such as structural, functional, and spatial information, amino acid conservation, physicochemical variation, residue mobility, and thermodynamic stability) indicates that this missense variant is expected to disrupt CDC73 protein function with a positive predictive value of 80%. In summary, the available evidence is currently insufficient to determine the role of this variant in disease. Therefore, it has been classified as a Variant of Uncertain Significance.

St. Jude Molecular Pathology, St. Jude Children's Research Hospital
Classification: Uncertain significance for Hyperparathyroidism 2 with jaw tumors. Last evaluated: 2025-06-17. Review status: criteria provided, single submitter. Criteria: St. Jude Assertion Criteria 2020. Collection method: clinical testing. Allele origin: germline.
Comment: The CDC73 c.1333G>A p.(Val445Ile) missense change has a maximum subpopulation frequency of 0.0085% in gnomAD v2.1.1. The in silico tool REVEL is inconclusive about a pathogenic or benign effect of this variant on protein function, and to our knowledge functional studies have not been performed. This variant occurs in a gene where missense variants are more likely to be damaging based on methods described by Lek et al. (PMID: 27535533). The variant has been identified in 1 of 1358 control individuals collected as part of non-cancer studies (PMID: 29641532). To our knowledge, this variant has not been reported in individuals with hyperparathyroidism-jaw tumor syndrome. In summary, the evidence currently available is insufficient to determine the clinical significance of this variant. It has therefore been classified as of uncertain significance.

GeneDx
Classification: Uncertain significance. Last evaluated: 2024-05-14. Review status: criteria provided, single submitter. Criteria: GeneDx Variant Classification Process June 2021. Collection method: clinical testing. Allele origin: germline. Affected: yes.
Comment: In silico analysis indicates that this missense variant does not alter protein structure/function; Observed in unaffected control subjects, but not observed in any cases in a melanoma/multiple primary cancer study (PMID: 29641532); This variant is associated with the following publications: (PMID: 15923622, 29641532)

Baylor Genetics
Classification: Uncertain significance for Hyperparathyroidism 1. Last evaluated: 2024-02-02. Review status: criteria provided, single submitter. Criteria: ACMG Guidelines, 2015. Collection method: clinical testing. Allele origin: unknown.

Ambry Genetics
Classification: Likely benign for Hereditary cancer-predisposing syndrome. Last evaluated: 2022-02-11. Review status: criteria provided, single submitter. Criteria: Ambry Variant Classification Scheme 2023. Collection method: clinical testing. Allele origin: germline.

Fulgent Genetics
Classification: Uncertain significance for Hyperparathyroidism 1; Hyperparathyroidism 2 with jaw tumors; Parathyroid carcinoma. Last evaluated: 2021-08-23. Review status: criteria provided, single submitter. Criteria: ACMG Guidelines, 2015. Collection method: clinical testing. Allele origin: unknown.

Illumina Laboratory Services, Illumina
Classification: Uncertain significance for Parathyroid carcinoma. Last evaluated: 2018-01-13. Review status: criteria provided, single submitter. Criteria: ICSL Variant Classification Criteria 13 December 2019. Collection method: clinical testing. Allele origin: germline.

Illumina Laboratory Services, Illumina
Classification: Uncertain significance for Hyperparathyroidism 2 with jaw tumors. Last evaluated: 2018-01-13. Review status: criteria provided, single submitter. Criteria: ICSL Variant Classification Criteria 13 December 2019. Collection method: clinical testing. Allele origin: germline.

Illumina Laboratory Services, Illumina
Classification: Uncertain significance for Hyperparathyroidism 1. Last evaluated: 2018-01-13. Review status: criteria provided, single submitter. Criteria: ICSL Variant Classification Criteria 13 December 2019. Collection method: clinical testing. Allele origin: germline.

Clinical Genetics DNA and cytogenetics Diagnostics Lab, Erasmus MC, Erasmus Medical Center
Classification: Uncertain significance. Review status: no assertion criteria provided. Collection method: clinical testing. Allele origin: germline. Affected: yes. Study: VKGL Data-share Consensus. Not counted in ClinVar's aggregate classification.

Genome Diagnostics Laboratory, Amsterdam University Medical Center
Classification: Uncertain significance. Review status: no assertion criteria provided. Collection method: clinical testing. Allele origin: germline. Affected: yes. Study: VKGL Data-share Consensus. Not counted in ClinVar's aggregate classification.

Literature cited by the submitters: PubMed 29641532 (cited by Ambry Genetics).